The following is an entry in ClinVar:

ClinVar aggregate classification (germline): Uncertain significance (1 of 4 stars; one submission).

Submission:

Labcorp Genetics (formerly Invitae), Labcorp
Classification: Uncertain significance. Last evaluated: 2022-07-11. Review status: criteria provided, single submitter. Criteria: Invitae Variant Classification Sherloc (09022015). Collection method: clinical testing. Allele origin: germline.
Comment: In summary, the available evidence is currently insufficient to determine the role of this variant in disease. Therefore, it has been classified as a Variant of Uncertain Significance. Algorithms developed to predict the effect of missense changes on protein structure and function (SIFT, PolyPhen-2, Align-GVGD) all suggest that this variant is likely to be disruptive. ClinVar contains an entry for this variant (Variation ID: 968920). This variant has not been reported in the literature in individuals affected with VCAN-related conditions. This variant is not present in population databases (gnomAD no frequency). This sequence change replaces serine, which is neutral and polar, with cysteine, which is neutral and slightly polar, at codon 1633 of the VCAN protein (p.Ser1633Cys).

NM_004385.5(VCAN):c.4897A>T (p.Ser1633Cys)

Genes: VCAN (versican; plus strand), VCAN-AS1 (VCAN antisense RNA 1; minus strand). Cytogenetic location: 5q14.3.
Variant type: single nucleotide variant.
Coding change: c.4897A>T on transcript NM_004385.5 (MANE Select); coding-DNA position 4897, A replaced by T.
Protein change: p.Ser1633Cys; replaces serine 1633 with cysteine.
Molecular consequence: missense variant. On other transcripts: intron variant (2).
Genome position (GRCh38, 1-based): chr5:83,537,900, A>T. VCF-style: chr5-83537900-A-T. GRCh37 (hg19) VCF-style: chr5-82833719-A-T.
Other names: c.1936A>T, p.Ser646Cys (NM_001164097.2); c.4004-7637A>T (NM_001164098.2); c.1043-7637A>T (NM_001126336.3); short protein forms S1633C, S646C.
Identifiers: ClinVar variation 968920 (VCV000968920.9), dbSNP rs1580041409, ClinGen allele CA360309236.